The following is an entry in ClinVar:

ClinVar aggregate classification (germline): Uncertain significance (1 of 4 stars; one submission).

Submission:

Labcorp Genetics (formerly Invitae), Labcorp
Classification: Uncertain significance. Last evaluated: 2022-07-30. Review status: criteria provided, single submitter. Criteria: Invitae Variant Classification Sherloc (09022015). Collection method: clinical testing. Allele origin: germline.
Comment: Algorithms developed to predict the effect of missense changes on protein structure and function (SIFT, PolyPhen-2, Align-GVGD) all suggest that this variant is likely to be disruptive. This variant has not been reported in the literature in individuals affected with STAT4-related conditions. This variant is not present in population databases (gnomAD no frequency). This sequence change replaces leucine, which is neutral and non-polar, with arginine, which is basic and polar, at codon 235 of the STAT4 protein (p.Leu235Arg). In summary, the available evidence is currently insufficient to determine the role of this variant in disease. Therefore, it has been classified as a Variant of Uncertain Significance.

NM_003151.4(STAT4):c.704T>G (p.Leu235Arg)

Gene: STAT4 (signal transducer and activator of transcription 4; minus strand). Cytogenetic location: 2q32.2.
Variant type: single nucleotide variant.
Coding change: c.704T>G on transcript NM_003151.4 (MANE Select); coding-DNA position 704, T replaced by G.
Protein change: p.Leu235Arg; replaces leucine 235 with arginine.
Molecular consequence: missense variant.
Genome position (GRCh38, 1-based): chr2:191,064,885, A>C on the plus strand (T>G on the coding strand, the complement: STAT4 is on the minus strand). VCF-style: chr2-191064885-A-C. GRCh37 (hg19) VCF-style: chr2-191929611-A-C.
Other names: c.704T>G, p.Leu235Arg (NM_001243835.2); short protein forms L235R.
Identifiers: ClinVar variation 1714319 (VCV001714319.6), dbSNP rs2470774325, ClinGen allele CA349917130.
Genomic context (GRCh38, chr2:191,064,885, plus strand): 5'-AGCCCATTGTGGAGTGGACCCCCGATGCAGGCGATTTGCTGCCGCCGCTTCCAGTCTTGC[A>C]GCTCTTCTATGAGCATGGTGTTCATTAACAGGTCTGTCTCATGGATGATTTGGGTCATTT-3'
Protein context (NP_003142.1, residues 225-245): LLMNTMLIEE[Leu235Arg]QDWKRRQQIA